The following is an entry in ClinVar:

ClinVar aggregate classification (germline): Conflicting classifications of pathogenicity. Review status: criteria provided, conflicting classifications (1 of 4 stars). 4 submissions from 4 submitters: Uncertain significance (2); Likely benign (1). 1 of the submissions does not count toward it. Last evaluated 2026-08-27.

Conditions:
Familial thoracic aortic aneurysm and aortic dissection (TAAD). Also called: Thoracic aortic aneurysms and dissections. Identifiers: Orphanet 91387, MedGen C4707243, MONDO:0019625.
Classic homocystinuria. Also called: Homocystinuria due to Cystathionine Beta-Synthase Deficiency; HOMOCYSTINURIA WITH OR WITHOUT RESPONSE TO PYRIDOXINE; Homocystinuria due to CBS deficiency; Cystathionine beta-synthase deficiency; CBS deficiency. Identifiers: Orphanet 394, MedGen C0751202, MONDO:0009352, OMIM 236200.
HYPERHOMOCYSTEINEMIA, THROMBOTIC, CBS-RELATED. Identifiers: MedGen C3150344, OMIM 236200.

Allele frequency attached by ClinVar (database versions not stated): gnomAD exomes 0.00001.

Submissions (4):

Ambry Genetics
Classification: Uncertain significance for Familial thoracic aortic aneurysm and aortic dissection. Last evaluated: 2026-08-27. Review status: criteria provided, single submitter. Criteria: Ambry Variant Classification Scheme 2023. Collection method: clinical testing. Allele origin: germline.
Comment: The c.210-3C>T intronic variant results from a C to T substitution 3 nucleotides upstream from coding exon 2 in the CBS gene. This nucleotide position is poorly conserved in available vertebrate species. In silico splice site analysis predicts that this alteration will not have any significant effect on splicing. Based on the available evidence, the clinical significance of this variant remains unclear.

CeGaT Center for Human Genetics Tuebingen
Classification: Likely benign. Last evaluated: 2026-07-01. Review status: criteria provided, single submitter. Criteria: CeGaT Center For Human Genetics Tuebingen Variant Classification Criteria Version 2. Collection method: clinical testing. Allele origin: germline. Affected: yes. Observed: 1 variant allele.
Comment: CBS: BP4

Labcorp Genetics (formerly Invitae), Labcorp
Classification: Uncertain significance for HYPERHOMOCYSTEINEMIA, THROMBOTIC, CBS-RELATED. Last evaluated: 2022-10-13. Review status: criteria provided, single submitter. Criteria: Invitae Variant Classification Sherloc (09022015). Collection method: clinical testing. Allele origin: germline.
Comment: This sequence change falls in intron 3 of the CBS gene. It does not directly change the encoded amino acid sequence of the CBS protein. It affects a nucleotide within the consensus splice site. This variant is present in population databases (rs562656023, gnomAD 0.003%). This variant has not been reported in the literature in individuals affected with CBS-related conditions. ClinVar contains an entry for this variant (Variation ID: 264609). Variants that disrupt the consensus splice site are a relatively common cause of aberrant splicing (PMID: 17576681, 9536098). Algorithms developed to predict the effect of sequence changes on RNA splicing suggest that this variant is not likely to affect RNA splicing. In summary, the available evidence is currently insufficient to determine the role of this variant in disease. Therefore, it has been classified as a Variant of Uncertain Significance.

Natera, Inc.
Classification: Uncertain significance for Homocystinuria due to cystathionine beta-synthase deficiency. Last evaluated: 2019-11-11. Review status: no assertion criteria provided. Collection method: clinical testing. Allele origin: germline. Not counted in ClinVar's aggregate classification.

Literature cited by the submitters: PubMed 17576681 (cited by Labcorp Genetics (formerly Invitae), Labcorp); PubMed 9536098 (cited by Labcorp Genetics (formerly Invitae), Labcorp).

NM_000071.3(CBS):c.210-3C>T

Gene: CBS (cystathionine beta-synthase; minus strand). Cytogenetic location: 21q22.3.
Variant type: single nucleotide variant.
Coding change: c.210-3C>T on transcript NM_000071.3 (MANE Select); 3 bases into the intron before coding-DNA position 210, C replaced by T.
Molecular consequence: intron variant.
Genome position (GRCh38, 1-based): chr21:43,068,618, G>A on the plus strand (C>T on the coding strand, the complement: CBS is on the minus strand). VCF-style: chr21-43068618-G-A. GRCh37 (hg19) VCF-style: chr21-44488728-G-A.
Other names: c.210-3C>T (NM_001320298.2, NM_001178009.3, NM_001178008.3).
Identifiers: ClinVar variation 264609 (VCV000264609.10), dbSNP rs562656023, ClinGen allele CA10587953.